The following is an entry in ClinVar:

ClinVar aggregate classification (germline): Uncertain significance (1 of 4 stars; one submission).

Conditions:
Charcot-Marie-Tooth disease type 4. Also called: Charcot-Marie-Tooth, Type 4; Charcot-Marie-Tooth disease, type IV. Identifiers: Orphanet 64749, MedGen C4082197, MONDO:0018995.

Submission:

Labcorp Genetics (formerly Invitae), Labcorp
Classification: Uncertain significance for Charcot-Marie-Tooth disease type 4. Last evaluated: 2022-07-14. Review status: criteria provided, single submitter. Criteria: Invitae Variant Classification Sherloc (09022015). Collection method: clinical testing. Allele origin: germline.
Comment: This sequence change replaces glutamine, which is neutral and polar, with histidine, which is basic and polar, at codon 6 of the NDRG1 protein (p.Gln6His). This variant is not present in population databases (gnomAD no frequency). This variant has not been reported in the literature in individuals affected with NDRG1-related conditions. Algorithms developed to predict the effect of missense changes on protein structure and function output the following: SIFT: "Tolerated"; PolyPhen-2: "Benign"; Align-GVGD: "Class C0". The histidine amino acid residue is found in multiple mammalian species, which suggests that this missense change does not adversely affect protein function. In summary, the available evidence is currently insufficient to determine the role of this variant in disease. Therefore, it has been classified as a Variant of Uncertain Significance.

NM_006096.4(NDRG1):c.18G>C (p.Gln6His)

Gene: NDRG1 (N-myc downstream regulated 1; minus strand). Cytogenetic location: 8q24.22.
Variant type: single nucleotide variant.
Coding change: c.18G>C on transcript NM_006096.4 (MANE Select); coding-DNA position 18, G replaced by C.
Protein change: p.Gln6His; replaces glutamine 6 with histidine.
Molecular consequence: missense variant. On other transcripts: 5 prime UTR variant (1), intron variant (2).
Genome position (GRCh38, 1-based): chr8:133,284,294, C>G on the plus strand (G>C on the coding strand, the complement: NDRG1 is on the minus strand). VCF-style: chr8-133284294-C-G. GRCh37 (hg19) VCF-style: chr8-134296537-C-G.
Other names: c.18G>C, p.Gln6His (NM_001135242.2, NM_001374844.1, NM_001374845.1 and 1 more transcripts); c.-120G>C (NM_001258433.2); c.-100+12840G>C (NM_001258432.2); c.-135-4027G>C (NM_001374847.1); short protein forms Q6H.
Identifiers: ClinVar variation 2016974 (VCV002016974.4), dbSNP rs951266228, ClinGen allele CA186360406.